The following is an entry in ClinVar:

ClinVar aggregate classification (germline): Pathogenic (1 of 4 stars; one submission).

Conditions:
Medium-chain acyl-coenzyme A dehydrogenase deficiency (ACADMD). Also called: MCAD Deficiency; CARNITINE DEFICIENCY SECONDARY TO MEDIUM-CHAIN ACYL-CoA DEHYDROGENASE DEFICIENCY; Medium chain acyl-CoA dehydrogenase deficiency; ACADM DEFICIENCY; MCADD; MCADH DEFICIENCY. Identifiers: Orphanet 42, MedGen C0220710, MONDO:0008721, OMIM 201450.

Submission:

Labcorp Genetics (formerly Invitae), Labcorp
Classification: Pathogenic for Medium-chain acyl-coenzyme A dehydrogenase deficiency. Last evaluated: 2025-06-02. Review status: criteria provided, single submitter. Criteria: Invitae Variant Classification Sherloc (09022015). Collection method: clinical testing. Allele origin: germline.
Comment: This sequence change replaces proline, which is neutral and non-polar, with histidine, which is basic and polar, at codon 132 of the ACADM protein (p.Pro132His). This variant is not present in population databases (gnomAD no frequency). This missense change has been observed in individual(s) with MCAD deficiency (internal data). In at least one individual the data is consistent with being in trans (on the opposite chromosome) from a pathogenic variant. ClinVar contains an entry for this variant (Variation ID: 2041158). Invitae Evidence Modeling of protein sequence and biophysical properties (such as structural, functional, and spatial information, amino acid conservation, physicochemical variation, residue mobility, and thermodynamic stability) indicates that this missense variant is expected to disrupt ACADM protein function with a positive predictive value of 80%. This variant disrupts the p.Pro132 amino acid residue in ACADM. Other variant(s) that disrupt this residue have been determined to be pathogenic (PMID: 16737882; internal data). This suggests that this residue is clinically significant, and that variants that disrupt this residue are likely to be disease-causing. For these reasons, this variant has been classified as Pathogenic.

Literature cited by the submitters: PubMed 16737882.

NM_000016.6(ACADM):c.395C>A (p.Pro132His)

Gene: ACADM (acyl-CoA dehydrogenase medium chain; plus strand). Cytogenetic location: 1p31.1.
Variant type: single nucleotide variant.
Coding change: c.395C>A on transcript NM_000016.6 (MANE Select); coding-DNA position 395, C replaced by A.
Protein change: p.Pro132His; replaces proline 132 with histidine.
Molecular consequence: missense variant. On other transcripts: intron variant (1).
Genome position (GRCh38, 1-based): chr1:75,734,798, C>A. VCF-style: chr1-75734798-C-A. GRCh37 (hg19) VCF-style: chr1-76200483-C-A.
Other names: c.407C>A, p.Pro136His (NM_001127328.3); c.287C>A, p.Pro96His (NM_001286042.2); c.494C>A, p.Pro165His (NM_001286043.2); c.-100+1876C>A (NM_001286044.2); short protein forms P132H, P136H, P96H, P165H.
Identifiers: ClinVar variation 2041158 (VCV002041158.4), dbSNP rs875989854, ClinGen allele CA340812817.